The following is an entry in ClinVar:

NM_001354604.2(MITF):c.808C>A (p.Leu270Met)

Gene: MITF (melanocyte inducing transcription factor; plus strand). Cytogenetic location: 3p13.
Variant type: single nucleotide variant.
Coding change: c.808C>A on transcript NM_001354604.2 (MANE Select); coding-DNA position 808, C replaced by A.
Protein change: p.Leu270Met; replaces leucine 270 with methionine.
Molecular consequence: missense variant.
Genome position (GRCh38, 1-based): chr3:69,949,096, C>A. VCF-style: chr3-69949096-C-A. GRCh37 (hg19) VCF-style: chr3-69998247-C-A.
Other names: c.487C>A, p.Leu163Met (NM_000248.4, NM_198158.3); c.652C>A, p.Leu218Met (NM_001184967.2, NM_001354608.2); c.805C>A, p.Leu269Met (NM_001354605.2, NM_001354606.2, NM_006722.3); c.757C>A, p.Leu253Met (NM_001354607.2); c.808C>A, p.Leu270Met (NM_198159.3); c.760C>A, p.Leu254Met (NM_198177.3); c.319C>A, p.Leu107Met (NM_198178.3); short protein forms L218M, L253M, L254M, L269M, L270M, L107M, L163M.
Identifiers: ClinVar variation 3748912 (VCV003748912.2).

ClinVar aggregate classification (germline): Uncertain significance (1 of 4 stars; one submission).

Conditions:
Melanoma, cutaneous malignant, susceptibility to, 8. Also called: Cutaneous malignant melanoma 8; MELANOMA AND RENAL CELL CARCINOMA, SUSCEPTIBILITY TO. Identifiers: Orphanet 293822, MedGen C3152204, MONDO:0013759, OMIM 614456.
Tietz syndrome (TADS). Also called: HYPOPIGMENTATION/DEAFNESS OF TIETZ; TIETZ ALBINISM-DEAFNESS SYNDROME; ALBINISM-DEAFNESS OF TIETZ. Identifiers: Orphanet 42665, MedGen C0391816, MONDO:0007077, OMIM 103500.
Waardenburg syndrome type 2A (WS2A). Also called: WAARDENBURG SYNDROME WITHOUT DYSTOPIA CANTHORUM. Identifiers: Orphanet 3440, MedGen C1860339, MONDO:0008671, OMIM 193510.

Submission:

Labcorp Genetics (formerly Invitae), Labcorp
Classification: Uncertain significance for Melanoma, cutaneous malignant, susceptibility to, 8; Waardenburg syndrome type 2A; Tietz syndrome. Last evaluated: 2024-06-11. Review status: criteria provided, single submitter. Criteria: Invitae Variant Classification Sherloc (09022015). Collection method: clinical testing. Allele origin: germline.
Comment: This sequence change replaces leucine, which is neutral and non-polar, with methionine, which is neutral and non-polar, at codon 163 of the MITF protein (p.Leu163Met). This variant is present in population databases (no rsID available, gnomAD 0.0009%). This variant has not been reported in the literature in individuals affected with MITF-related conditions. Advanced modeling of protein sequence and biophysical properties (such as structural, functional, and spatial information, amino acid conservation, physicochemical variation, residue mobility, and thermodynamic stability) performed at Invitae indicates that this missense variant is not expected to disrupt MITF protein function with a negative predictive value of 80%. In summary, the available evidence is currently insufficient to determine the role of this variant in disease. Therefore, it has been classified as a Variant of Uncertain Significance.